The following is an entry in ClinVar:

ClinVar aggregate classification (germline): Likely pathogenic (1 of 4 stars; one submission).

Conditions:
Cardiovascular phenotype. Identifiers: MedGen CN230736.

Submission:

Ambry Genetics
Classification: Likely pathogenic for Cardiovascular phenotype. Last evaluated: 2023-06-15. Review status: criteria provided, single submitter. Criteria: Ambry Variant Classification Scheme 2023. Collection method: clinical testing. Allele origin: germline.
Comment: The c.38129dupC variant, located in coding exon 139 of the TTN gene, results from a duplication of C at nucleotide position 38129, causing a translational frameshift with a predicted alternate stop codon (p.L12711Sfs*9). This exon is located in the A-band region of the N2-B isoform of the titin protein and is constitutively expressed in TTN transcripts (percent spliced in or PSI 100%). This variant is considered to be rare based on population cohorts in the Genome Aggregation Database (gnomAD). This alteration is expected to result in loss of function by premature protein truncation or nonsense-mediated mRNA decay. While truncating variants in TTN are present in 1-3% of the general population, truncating variants in the A-band are the most common cause of dilated cardiomyopathy (DCM) (Herman DS et al. N. Engl. J. Med., 2012 Feb;366:619-28; Roberts AM et al. Sci Transl Med, 2015 Jan;7:270ra6). TTN truncating variants encoded in constitutive exons (PSI >90%) have been found to be significantly associated with DCM regardless of their position in titin (Schafer S et al. Nat. Genet., 2017 01;49:46-53). Based on the majority of available evidence to date, this variant is likely to be pathogenic.

NM_001267550.2(TTN):c.65324dup (p.Leu21776fs)

Genes: TTN (titin; minus strand), TTN-AS1 (TTN antisense RNA 1; plus strand). Cytogenetic location: 2q31.2.
Variant type: Duplication.
Coding change: c.65324dup on transcript NM_001267550.2 (MANE Select); coding-DNA position 65324, one base duplicated (C; older notation c.65324dupC).
Protein change: p.Leu21776fs; shifts the reading frame from leucine 21776.
Molecular consequence: frameshift variant. On other transcripts: non-coding transcript variant (1).
Genome position (GRCh38, 1-based): chr2:178,583,858, G duplicated on the plus strand (C on the coding strand, the reverse complement: TTN is on the minus strand). VCF-style (leftmost placement, unchanged base first): chr2-178583857-A-AG. GRCh37 (hg19) VCF-style: chr2-179448584-A-AG.
Other names: c.60401dup, p.Leu20135fs (NM_001256850.1); c.38129dup, p.Leu12711fs (NM_003319.4); c.57620dup, p.Leu19208fs (NM_133378.4); c.38504dup, p.Leu12836fs (NM_133432.3); c.38705dup, p.Leu12903fs (NM_133437.4); c.38129dupC (NM_003319.4); short protein forms L19208fs, L12836fs, L20135fs, L21776fs, L12711fs, L12903fs.
Identifiers: ClinVar variation 2566446 (VCV002566446.3), dbSNP rs2469106192, ClinGen allele CA2580614481.